The following is an entry in ClinVar:

ClinVar aggregate classification (germline): Likely benign (0 of 4 stars; one submission).

Conditions:
PARP1-related disorder. Also called: PARP1-related condition.

Allele frequency attached by ClinVar (database versions not stated): gnomAD exomes 0.00024; gnomAD 0.00039; TOPMed 0.00049; ExAC 0.00060; 1000 Genomes Project 0.00260; 1000 Genomes Project 30x 0.00281.
gnomAD v4.1: 421 of 1,613,776 alleles (0.026%); highest among the groups gnomAD compares: East Asian, 0.56%; 1 homozygote.

Submissions (4):

PreventionGenetics, part of Exact Sciences
Classification: Likely benign for PARP1-related condition. Last evaluated: 2019-07-30. Review status: no assertion criteria provided. Collection method: clinical testing. Allele origin: germline.
Comment: This variant is classified as likely benign based on ACMG/AMP sequence variant interpretation guidelines (Richards et al. 2015 PMID: 25741868, with internal and published modifications).

Dr. Peter K. Rogan Lab, Western University
No classification provided (evidence only). Condition: Gastric cancer. Review status: no classification provided. Collection method: in vitro. Allele origin: not applicable. Functional consequence: retained intron. Not counted in ClinVar's aggregate classification.

Dr. Peter K. Rogan Lab, Western University
No classification provided (evidence only). Condition: Gastric cancer. Review status: no classification provided. Collection method: in vitro. Allele origin: not applicable. Functional consequence: retained intron. Not counted in ClinVar's aggregate classification.

Dr. Peter K. Rogan Lab, Western University
No classification provided (evidence only). Condition: Malignant tumor of esophagus. Review status: no classification provided. Collection method: in vitro. Allele origin: not applicable. Functional consequence: retained intron. Not counted in ClinVar's aggregate classification.

NM_001618.4(PARP1):c.659C>T (p.Ala220Val)

Gene: PARP1 (poly(ADP-ribose) polymerase 1; minus strand). Cytogenetic location: 1q42.12.
Variant type: single nucleotide variant.
Coding change: c.659C>T on transcript NM_001618.4 (MANE Select); coding-DNA position 659, C replaced by T.
Protein change: p.Ala220Val; replaces alanine 220 with valine.
Molecular consequence: missense variant.
Genome position (GRCh38, 1-based): chr1:226,388,714, G>A on the plus strand (C>T on the coding strand, the complement: PARP1 is on the minus strand). VCF-style: chr1-226388714-G-A. GRCh37 (hg19) VCF-style: chr1-226576415-G-A.
Other names: NC_000001.10:g.226576415G>A; short protein forms A220V.
Identifiers: ClinVar variation 3034622 (VCV003034622.3), dbSNP rs139232092, ClinGen allele CA1423078.